The following is an entry in ClinVar:

NM_000179.3(MSH6):c.1995G>C (p.Glu665Asp)

Gene: MSH6 (mutS homolog 6; plus strand). Cytogenetic location: 2p16.3.
Variant type: single nucleotide variant.
Coding change: c.1995G>C on transcript NM_000179.3 (MANE Select); coding-DNA position 1995, G replaced by C.
Protein change: p.Glu665Asp; replaces glutamic acid 665 with aspartic acid.
Molecular consequence: missense variant.
Genome position (GRCh38, 1-based): chr2:47,799,978, G>C. VCF-style: chr2-47799978-G-C. GRCh37 (hg19) VCF-style: chr2-48027117-G-C.
Other names: c.1605G>C, p.Glu535Asp (NM_001281492.2); c.1089G>C, p.Glu363Asp (NM_001281493.2, NM_001281494.2); short protein forms E665D, E363D, E535D.
Identifiers: ClinVar variation 134853 (VCV000134853.22), dbSNP rs587778532, ClinGen allele CA009522.

ClinVar aggregate classification (germline): Conflicting classifications of pathogenicity. Review status: criteria provided, conflicting classifications (1 of 4 stars). 7 submissions from 7 submitters: Uncertain significance (3); Benign (1); Likely benign (1). 2 of the submissions do not count toward it. Last evaluated 2026-01-07.

Conditions:
Hereditary nonpolyposis colorectal neoplasms. Identifiers: MedGen C0009405, MeSH D003123.
Hereditary cancer-predisposing syndrome. Also called: Tumor predisposition; Hereditary neoplastic syndrome; Neoplastic Syndromes, Hereditary; Hereditary Cancer Syndrome. Identifiers: Orphanet 140162, MedGen C0027672, MeSH D009386, MONDO:0015356.
Lynch syndrome 5 (LYNCH5). Also called: Colorectal cancer, hereditary nonpolyposis, type 5; Hereditary non-polyposis colorectal cancer, type 5. Identifiers: Orphanet 144, MedGen C1833477, MONDO:0013710, OMIM 614350. Disease mechanism: loss of function.

Allele frequency attached by ClinVar (database versions not stated): gnomAD 0.00001; gnomAD exomes 0.00001; TOPMed 0.00001.
gnomAD v4.1: 5 of 1,613,990 alleles (0.00031%); highest among the groups gnomAD compares: African/African-American, 0.0013%; no homozygotes.

Submissions (7):

Labcorp Genetics (formerly Invitae), Labcorp
Classification: Benign for Hereditary nonpolyposis colorectal neoplasms. Last evaluated: 2026-01-07. Review status: criteria provided, single submitter. Criteria: Invitae Variant Classification Sherloc (09022015). Collection method: clinical testing. Allele origin: germline.

Color Diagnostics, LLC DBA Color Health
Classification: Likely benign for Hereditary cancer-predisposing syndrome. Last evaluated: 2025-02-03. Review status: criteria provided, single submitter. Criteria: ACMG Guidelines, 2015. Collection method: clinical testing. Allele origin: germline.

Ambry Genetics
Classification: Uncertain significance for Hereditary cancer-predisposing syndrome. Last evaluated: 2024-09-16. Review status: criteria provided, single submitter. Criteria: Ambry Variant Classification Scheme 2023. Collection method: clinical testing. Allele origin: germline.
Comment: The p.E665D variant (also known as c.1995G>C), located in coding exon 4 of the MSH6 gene, results from a G to C substitution at nucleotide position 1995. The glutamic acid at codon 665 is replaced by aspartic acid, an amino acid with highly similar properties. This amino acid position is well conserved in available vertebrate species. In addition, this alteration is predicted to be tolerated by in silico analysis. Since supporting evidence is limited at this time, the clinical significance of this alteration remains unclear.

Myriad Genetics, Inc.
Classification: Uncertain significance for Lynch syndrome 5. Last evaluated: 2023-03-29. Review status: criteria provided, single submitter. Criteria: Myriad Autosomal Dominant, Autosomal Recessive and X-Linked Classification Criteria (2023). Collection method: clinical testing. Allele origin: unknown.
Comment: This variant is classified as a variant of uncertain significance as there is insufficient evidence to determine its impact on protein function and/or cancer risk.

GeneDx
Classification: Uncertain significance. Last evaluated: 2021-03-19. Review status: criteria provided, single submitter. Criteria: GeneDx Variant Classification Process June 2021. Collection method: clinical testing. Allele origin: germline. Affected: yes.
Comment: Not observed in large population cohorts (Lek 2016); In silico analysis supports that this missense variant does not alter protein structure/function; Has not been previously published as pathogenic or benign to our knowledge; This variant is associated with the following publications: (PMID: 24728327)

Counsyl
Classification: Uncertain significance for Lynch syndrome 5. Last evaluated: 2018-03-23. Review status: no assertion criteria provided. Collection method: clinical testing. Allele origin: unknown. Not counted in ClinVar's aggregate classification.

ITMI
No classification provided. Condition: AllHighlyPenetrant. Last evaluated: 2013-09-19. Review status: no classification provided. Collection method: reference population. Allele origin: germline. Not counted in ClinVar's aggregate classification.
Comment: Please see associated publication for description of ethnicities

Literature cited by the submitters: PubMed 24728327 (cited by Counsyl and ITMI).